The following is an entry in ClinVar:

ClinVar aggregate classification (germline): Uncertain significance (1 of 4 stars; one submission).

Conditions:
Kabuki syndrome. Also called: NIIKAWA-KUROKI SYNDROME; Kabuki make-up syndrome. Identifiers: Orphanet 2322, MedGen C0796004, MONDO:0016512.

Submission:

Labcorp Genetics (formerly Invitae), Labcorp
Classification: Uncertain significance for Kabuki syndrome. Last evaluated: 2025-04-14. Review status: criteria provided, single submitter. Criteria: Invitae Variant Classification Sherloc (09022015). Collection method: clinical testing. Allele origin: germline.
Comment: This sequence change replaces serine, which is neutral and polar, with asparagine, which is neutral and polar, at codon 3836 of the KMT2D protein (p.Ser3836Asn). This variant is not present in population databases (gnomAD no frequency). This variant has not been reported in the literature in individuals affected with KMT2D-related conditions. Invitae Evidence Modeling of protein sequence and biophysical properties (such as structural, functional, and spatial information, amino acid conservation, physicochemical variation, residue mobility, and thermodynamic stability) indicates that this missense variant is not expected to disrupt KMT2D protein function with a negative predictive value of 95%. In summary, the available evidence is currently insufficient to determine the role of this variant in disease. Therefore, it has been classified as a Variant of Uncertain Significance.

NM_003482.4(KMT2D):c.11507G>A (p.Ser3836Asn)

Gene: KMT2D (lysine methyltransferase 2D; minus strand). Cytogenetic location: 12q13.12.
Variant type: single nucleotide variant.
Coding change: c.11507G>A on transcript NM_003482.4 (MANE Select); coding-DNA position 11507, G replaced by A.
Protein change: p.Ser3836Asn; replaces serine 3836 with asparagine.
Molecular consequence: missense variant.
Genome position (GRCh38, 1-based): chr12:49,033,198, C>T on the plus strand (G>A on the coding strand, the complement: KMT2D is on the minus strand). VCF-style: chr12-49033198-C-T. GRCh37 (hg19) VCF-style: chr12-49426981-C-T.
Other names: short protein forms S3836N.
Identifiers: ClinVar variation 4801205 (VCV004801205.1).
Genomic context (GRCh38, chr12:49,033,198, plus strand): 5'-TGGGCTGTGACCAGCCTGTGTCCCATAAGGCCCTGACCCTGCTGTGCCAGCTGGGGGGAA[C>T]TGAGCACCCGGGACTGGGTCATAAGCACCTGTCTGTGAGGGCCCTGGGGGCCCAAAGCTC-3'
Protein context (NP_003473.3, residues 3826-3846): QVLMTQSRVL[Ser3836Asn]SPQLAQQGQG